The following is an entry in ClinVar:

NM_016366.3(CABP2):c.659G>A (p.Arg220Gln)

Gene: CABP2 (calcium binding protein 2; minus strand). Cytogenetic location: 11q13.2.
Variant type: single nucleotide variant.
Coding change: c.659G>A on transcript NM_016366.3 (MANE Select); coding-DNA position 659, G replaced by A.
Protein change: p.Arg220Gln; replaces arginine 220 with glutamine.
Molecular consequence: missense variant.
Genome position (GRCh38, 1-based): chr11:67,519,143, C>T on the plus strand (G>A on the coding strand, the complement: CABP2 is on the minus strand). VCF-style: chr11-67519143-C-T. GRCh37 (hg19) VCF-style: chr11-67286614-C-T.
Other names: c.677G>A, p.Arg226Gln (NM_001318496.2); c.659G>A (NM_016366.2); short protein forms R220Q, R226Q.
Identifiers: ClinVar variation 1120066 (VCV001120066.7), dbSNP rs143180247, ClinGen allele CA6142340.
Genomic context (GRCh38, chr11:67,519,143, plus strand): 5'-TGGGCAGAGGCTGTGGTCCTTGAGTCCTTTATGCTGCCTCCAGCTTCTGTACAGGCTCAC[C>T]GAGACATCATTCGCACAAACTCTGCCAGGACGAAGCCAAGGTTTTGGGTCTGTTCTCTGG-3'
Protein context (NP_057450.2, residues 210-220): DFEEFVRMMS[Arg220Gln]

ClinVar aggregate classification (germline): Uncertain significance. Review status: criteria provided, multiple submitters, no conflicts (2 of 4 stars). 3 submissions from 3 submitters: Uncertain significance (3). Last evaluated 2024-10-30.

Conditions:
Inborn genetic diseases. Identifiers: MedGen C0950123, MeSH D030342.

Allele frequency attached by ClinVar (database versions not stated): gnomAD 0.00002 and 0.00003; gnomAD exomes 0.00002 and 0.00004; TOPMed 0.00002; ExAC 0.00003; 1000 Genomes Project 30x 0.00016; 1000 Genomes Project 0.00020.
gnomAD v4.1: 28 of 1,614,048 alleles (0.0017%); highest among the groups gnomAD compares: Admixed American, 0.013%; no homozygotes.

Submissions (3):

Blueprint Genetics
Classification: Uncertain significance. Last evaluated: 2024-10-30. Review status: criteria provided, single submitter. Criteria: ACMG Guidelines, 2015. Collection method: clinical testing. Allele origin: germline.

Ambry Genetics
Classification: Uncertain significance for Inborn genetic diseases. Last evaluated: 2024-03-01. Review status: criteria provided, single submitter. Criteria: Ambry Variant Classification Scheme 2023. Collection method: clinical testing. Allele origin: germline.

Laboratory for Molecular Medicine, Mass General Brigham Personalized Medicine
Classification: Uncertain significance. Last evaluated: 2023-06-19. Review status: criteria provided, single submitter. Criteria: ACMG Guidelines, 2015. Collection method: clinical testing. Allele origin: germline.
Comment: The p.Arg220Gln variant in CABP2 has not been previously reported in individuals with hearing loss but has been identified in 0.0065% (1/15276) of Latino chromosomes by gnomAD (v.3.1.2). Computational prediction tools and conservation analyses do not provide strong support for or against an impact to the protein. In summary, the clinical significance of this variant is uncertain. ACMG/AMP Criteria applied: PM2_Supporting.